The following is an entry in ClinVar:

NM_002661.5(PLCG2):c.1342C>T (p.Arg448Trp)

Gene: PLCG2 (phospholipase C gamma 2; plus strand). Cytogenetic location: 16q23.3.
Variant type: single nucleotide variant.
Coding change: c.1342C>T on transcript NM_002661.5 (MANE Select); coding-DNA position 1342, C replaced by T.
Protein change: p.Arg448Trp; replaces arginine 448 with tryptophan.
Molecular consequence: missense variant.
Genome position (GRCh38, 1-based): chr16:81,900,760, C>T. VCF-style: chr16-81900760-C-T. GRCh37 (hg19) VCF-style: chr16-81934365-C-T.
Other names: short protein forms R448W.
Identifiers: ClinVar variation 540109 (VCV000540109.31), dbSNP rs200919414, ClinGen allele CA8193694.

ClinVar aggregate classification (germline): Likely benign. Review status: criteria provided, multiple submitters, no conflicts (2 of 4 stars). 5 submissions from 5 submitters: Likely benign (4). 1 of the submissions does not count toward it. Last evaluated 2026-01-25.

Conditions:
PLCG2-related disorder. Also called: PLCG2-related condition.
Familial cold autoinflammatory syndrome 3 (FCAS3). Also called: FAMILIAL ATYPICAL COLD URTICARIA; ANTIBODY DEFICIENCY AND IMMUNE DYSREGULATION, PLCG2-ASSOCIATED. Identifiers: Orphanet 300359, MedGen C3280914, MONDO:0013766, OMIM 614468.

Allele frequency attached by ClinVar (database versions not stated): ExAC 0.00024; ESP Exome Variant Server 0.00063; gnomAD 0.00064 and 0.00073; TOPMed 0.00084.
gnomAD v4.1: 222 of 1,602,052 alleles (0.014%); highest among the groups gnomAD compares: African/African-American, 0.23%; no homozygotes.

Submissions (5):

Labcorp Genetics (formerly Invitae), Labcorp
Classification: Likely benign for Familial cold autoinflammatory syndrome 3. Last evaluated: 2026-01-25. Review status: criteria provided, single submitter. Criteria: Invitae Variant Classification Sherloc (09022015). Collection method: clinical testing. Allele origin: germline.

CeGaT Center for Human Genetics Tuebingen
Classification: Likely benign. Last evaluated: 2024-06-01. Review status: criteria provided, single submitter. Criteria: CeGaT Center For Human Genetics Tuebingen Variant Classification Criteria Version 2. Collection method: clinical testing. Allele origin: germline. Affected: yes. Observed: 1 variant allele.
Comment: PLCG2: BS1

Blueprint Genetics
Classification: Likely benign. Last evaluated: 2024-01-10. Review status: criteria provided, single submitter. Criteria: ACMG Guidelines, 2015. Collection method: clinical testing. Allele origin: germline.

Breakthrough Genomics
Classification: Likely benign. Review status: criteria provided, single submitter. Criteria: ACMG Guidelines, 2015. Collection method: not provided. Allele origin: germline. Inheritance: Autosomal dominant inheritance. Affected: yes.

PreventionGenetics, part of Exact Sciences
Classification: Likely benign for PLCG2-related condition. Last evaluated: 2024-09-26. Review status: no assertion criteria provided. Collection method: clinical testing. Allele origin: germline. Not counted in ClinVar's aggregate classification.
Comment: This variant is classified as likely benign based on ACMG/AMP sequence variant interpretation guidelines (Richards et al. 2015 PMID: 25741868, with internal and published modifications).